The following is an entry in ClinVar:

NM_007294.4(BRCA1):c.3214C>A (p.Leu1072Ile)

Genes: BRCA1 (BRCA1 DNA repair associated; minus strand), LOC126862571 (BRD4-independent group 4 enhancer GRCh37_chr17:41243136-41244335; plus strand). Cytogenetic location: 17q21.31.
Variant type: single nucleotide variant.
Coding change: c.3214C>A on transcript NM_007294.4 (MANE Select); coding-DNA position 3214, C replaced by A.
Protein change: p.Leu1072Ile; replaces leucine 1072 with isoleucine.
Molecular consequence: missense variant. On other transcripts: intron variant (137).
Genome position (GRCh38, 1-based): chr17:43,092,317, G>T on the plus strand (C>A on the coding strand, the complement: BRCA1 is on the minus strand). VCF-style: chr17-43092317-G-T. GRCh37 (hg19) VCF-style: chr17-41244334-G-T.
Other names: c.3070C>A, p.Leu1024Ile (NM_001407964.1, NM_001407740.1, NM_001407741.1 and 20 more transcripts); c.2710C>A, p.Leu904Ile (NM_001407965.1); c.2326C>A, p.Leu776Ile (NM_001407966.1, NM_001407967.1); c.3073C>A, p.Leu1025Ile (NM_007297.4, NM_001407692.1, NM_001407694.1 and 29 more transcripts); c.3214C>A, p.Leu1072Ile (NM_007300.4, NM_001407581.1, NM_001407582.1 and 30 more transcripts); c.647-1285C>A (NM_001408458.1, NM_001408469.1, NM_001408453.1 and 11 more transcripts); c.284-1285C>A (NM_001408512.1); c.407-1285C>A (NM_001408510.1); and 41 more; short protein forms L1004I, L1025I, L1031I, L1071I, L961I, L1001I, L1005I, L1024I.
Identifiers: ClinVar variation 2860134 (VCV002860134.3), dbSNP rs2154336516, ClinGen allele CA10595551.

ClinVar aggregate classification (germline): Uncertain significance (1 of 4 stars; one submission).

Conditions:
Hereditary breast ovarian cancer syndrome. Also called: Hereditary breast and ovarian cancer syndrome (HBOC); Hereditary breast and ovarian cancer syndrome; Hereditary breast and/or ovarian cancer syndrome; Hereditary breast and ovarian cancer; Breast and ovarian cancer; BRCA1- and BRCA2-Associated Hereditary Breast and Ovarian Cancer. Identifiers: Orphanet 145, MedGen C0677776, MeSH D061325, MONDO:0003582. Disease mechanism: loss of function.

Submission:

Labcorp Genetics (formerly Invitae), Labcorp
Classification: Uncertain significance for Hereditary breast ovarian cancer syndrome. Last evaluated: 2023-04-28. Review status: criteria provided, single submitter. Criteria: Invitae Variant Classification Sherloc (09022015). Collection method: clinical testing. Allele origin: germline.
Comment: In summary, the available evidence is currently insufficient to determine the role of this variant in disease. Therefore, it has been classified as a Variant of Uncertain Significance. Advanced modeling of protein sequence and biophysical properties (such as structural, functional, and spatial information, amino acid conservation, physicochemical variation, residue mobility, and thermodynamic stability) performed at Invitae indicates that this missense variant is not expected to disrupt BRCA1 protein function. This variant has not been reported in the literature in individuals affected with BRCA1-related conditions. This variant is not present in population databases (gnomAD no frequency). This sequence change replaces leucine, which is neutral and non-polar, with isoleucine, which is neutral and non-polar, at codon 1072 of the BRCA1 protein (p.Leu1072Ile).